The following is an entry in ClinVar:

NM_003849.4(SUCLG1):c.155T>C (p.Val52Ala)

Gene: SUCLG1 (succinate-CoA ligase GDP/ADP-forming subunit alpha; minus strand). Cytogenetic location: 2p11.2.
Variant type: single nucleotide variant.
Coding change: c.155T>C on transcript NM_003849.4 (MANE Select); coding-DNA position 155, T replaced by C.
Protein change: p.Val52Ala; replaces valine 52 with alanine.
Molecular consequence: missense variant.
Genome position (GRCh38, 1-based): chr2:84,449,695, A>G on the plus strand (T>C on the coding strand, the complement: SUCLG1 is on the minus strand). VCF-style: chr2-84449695-A-G. GRCh37 (hg19) VCF-style: chr2-84676819-A-G.
Other names: short protein forms V52A.
Identifiers: ClinVar variation 1320809 (VCV001320809.2), dbSNP rs768242181, ClinGen allele CA1736412.

ClinVar aggregate classification (germline): Uncertain significance (1 of 4 stars; one submission).

Allele frequency attached by ClinVar (database versions not stated): gnomAD exomes below 0.00001 and 0.00001; ExAC 0.00001; gnomAD 0.00001.

Submission:

GeneDx
Classification: Uncertain significance. Last evaluated: 2021-04-19. Review status: criteria provided, single submitter. Criteria: GeneDx Variant Classification Process June 2021. Collection method: clinical testing. Allele origin: germline. Affected: yes.
Comment: Not observed at a significant frequency in large population cohorts (Lek et al., 2016); In silico analysis supports that this missense variant has a deleterious effect on protein structure/function; Has not been previously published as pathogenic or benign to our knowledge